The following is an entry in ClinVar:

ClinVar aggregate classification (germline): Uncertain significance (1 of 4 stars; one submission).

Allele frequency attached by ClinVar (database versions not stated): gnomAD 0.00002; gnomAD exomes 0.00003; ExAC 0.00012; 1000 Genomes Project 0.00020; 1000 Genomes Project 30x 0.00031.
gnomAD v4.1: 52 of 1,614,068 alleles (0.0032%); highest among the groups gnomAD compares: South Asian, 0.029%; 2 homozygotes.

Submission:

Labcorp Genetics (formerly Invitae), Labcorp
Classification: Uncertain significance. Last evaluated: 2024-03-12. Review status: criteria provided, single submitter. Criteria: Invitae Variant Classification Sherloc (09022015). Collection method: clinical testing. Allele origin: germline.
Comment: This sequence change replaces arginine, which is basic and polar, with histidine, which is basic and polar, at codon 354 of the DSTYK protein (p.Arg354His). This variant is present in population databases (rs560755065, gnomAD 0.03%). This variant has not been reported in the literature in individuals affected with DSTYK-related conditions. Algorithms developed to predict the effect of missense changes on protein structure and function output the following: SIFT: "Not Available"; PolyPhen-2: "Benign"; Align-GVGD: "Not Available". The histidine amino acid residue is found in multiple mammalian species, which suggests that this missense change does not adversely affect protein function. In summary, the available evidence is currently insufficient to determine the role of this variant in disease. Therefore, it has been classified as a Variant of Uncertain Significance.

NM_015375.3(DSTYK):c.1061G>A (p.Arg354His)

Gene: DSTYK (dual serine/threonine and tyrosine protein kinase; minus strand). Cytogenetic location: 1q32.1.
Variant type: single nucleotide variant.
Coding change: c.1061G>A on transcript NM_015375.3 (MANE Select); coding-DNA position 1061, G replaced by A.
Protein change: p.Arg354His; replaces arginine 354 with histidine.
Molecular consequence: missense variant.
Genome position (GRCh38, 1-based): chr1:205,169,426, C>T on the plus strand (G>A on the coding strand, the complement: DSTYK is on the minus strand). VCF-style: chr1-205169426-C-T. GRCh37 (hg19) VCF-style: chr1-205138554-C-T.
Other names: c.1061G>A, p.Arg354His (NM_199462.3); short protein forms R354H.
Identifiers: ClinVar variation 2955459 (VCV002955459.3), dbSNP rs560755065, ClinGen allele CA1352917.